The following is an entry in ClinVar:

ClinVar aggregate classification (germline): Conflicting classifications of pathogenicity. Review status: criteria provided, conflicting classifications (1 of 4 stars). 3 submissions from 3 submitters: Pathogenic (1); Likely pathogenic (1); Uncertain significance (1). Last evaluated 2025-12-01.

Conditions:
DICER1-related tumor predisposition. Also called: DICER1-related pleuropulmonary blastoma cancer predisposition syndrome; DICER1 syndrome. Identifiers: Orphanet 284343, MedGen C3839822, MONDO:0100216.

Submissions (3):

Unidad de Genómica Garrahan, Hospital de Pediatría Garrahan
Classification: Uncertain significance for DICER1-related tumor predisposition. Last evaluated: 2025-12-01. Review status: criteria provided, single submitter. Criteria: Hatton et al. (Hum Mutat. 2023). Collection method: clinical testing. Allele origin: germline. Affected: yes.
Comment: Null variant in canonical +1 splice site predicted to remove <10% of protein in a gene for which loss-of-function is a known mechanism of disease (PVS1_moderate). This intronic alteration is not reported in population-based cohorts in the Genome Aggregation Database (gnomAD) (PM2_supporting). Based on the available evidence and following the ClinGen DICER1 and miRNA-Processing Gene Expert Panel Specifications to the ACMG/AMP Variant Interpretation Guidelines for DICER1 (PMID: 38084291) this alteration is classified as variant of uncertain significance.

Foulkes Cancer Genetics LDI, Lady Davis Institute for Medical Research
Classification: Pathogenic for Pleuropulmonary blastoma. Last evaluated: 2019-07-01. Review status: criteria provided, single submitter. Criteria: ACMG Guidelines, 2015. Collection method: curation. Allele origin: germline. Affected: yes. Observed: 1 variant allele.
Comment: ACMG criteria met: PVS1, PM2, PP4

Labcorp Genetics (formerly Invitae), Labcorp
Classification: Likely pathogenic for DICER1-related tumor predisposition. Last evaluated: 2017-10-26. Review status: criteria provided, single submitter. Criteria: Invitae Variant Classification Sherloc (09022015). Collection method: clinical testing. Allele origin: germline.
Comment: In summary, the currently available evidence indicates that the variant is pathogenic, but additional data are needed to prove that conclusively. Therefore, this variant has been classified as Likely Pathogenic. Donor and acceptor splice site variants typically lead to a loss of protein function (PMID: 16199547), and loss-of-function variants in DICER1 are known to be pathogenic (PMID: 19556464, 21266384). This variant has not been reported in the literature in individuals with DICER1-related disease. This variant is not present in population databases (ExAC no frequency). This sequence change affects a donor splice site in intron 18 of the DICER1 gene. It is expected to disrupt RNA splicing and likely results in an absent or disrupted protein product.

Literature cited by the submitters: PubMed 28624956 (cited by Unidad de Genómica Garrahan, Hospital de Pediatría Garrahan and Foulkes Cancer Genetics LDI, Lady Davis Institute for Medical Research); PubMed 16199547 (cited by Labcorp Genetics (formerly Invitae), Labcorp); PubMed 19556464 (cited by Labcorp Genetics (formerly Invitae), Labcorp); PubMed 21266384 (cited by Labcorp Genetics (formerly Invitae), Labcorp).

NM_177438.3(DICER1):c.2987+1G>A

Gene: DICER1 (dicer 1, ribonuclease III; minus strand). Cytogenetic location: 14q32.13.
Variant type: single nucleotide variant.
Coding change: c.2987+1G>A on transcript NM_177438.3 (MANE Select); the canonical splice donor site of the intron after coding-DNA position 2987, G replaced by A.
Molecular consequence: splice donor variant. On other transcripts: non-coding transcript variant (1).
Genome position (GRCh38, 1-based): chr14:95,106,040, C>T on the plus strand (G>A on the coding strand, the complement: DICER1 is on the minus strand). VCF-style: chr14-95106040-C-T. GRCh37 (hg19) VCF-style: chr14-95572377-C-T.
Other names: c.2705+1G>A (NM_001395686.1); c.2420+1G>A (NM_001395691.1); c.2987+1G>A (NM_001395684.1, NM_001291628.2, NM_030621.4 and 12 more transcripts); c.2582+1G>A (NM_001395690.1, NM_001395687.1, NM_001395689.1 and 2 more transcripts); c.1304+1G>A (NM_001395697.1).
Identifiers: ClinVar variation 543639 (VCV000543639.13), dbSNP rs1555370248, ClinGen allele CA390878746.